The following is an entry in ClinVar:

NM_006516.4(SLC2A1):c.790del (p.Arg264fs)

Gene: SLC2A1 (solute carrier family 2 member 1; minus strand). Cytogenetic location: 1p34.2.
Variant type: Deletion.
Coding change: c.790del on transcript NM_006516.4 (MANE Select); coding-DNA position 790, one base deleted (C; older notation c.790delC).
Protein change: p.Arg264fs; shifts the reading frame from arginine 264.
Molecular consequence: frameshift variant.
Genome position (GRCh38, 1-based): chr1:42,929,670, G deleted on the plus strand (C on the coding strand, the reverse complement: SLC2A1 is on the minus strand); the first of 2 consecutive G bases (chr1:42,929,670-42,929,671); deleting either gives the same sequence. VCF-style (leftmost placement, unchanged base first): chr1-42929669-CG-C. GRCh37 (hg19) VCF-style: chr1-43395340-CG-C.
Other names: short protein forms R264fs.
Identifiers: ClinVar variation 4057321 (VCV004057321.2).

ClinVar aggregate classification (germline): Pathogenic. Review status: criteria provided, multiple submitters, no conflicts (2 of 4 stars). 2 submissions from 2 submitters: Pathogenic (2). Last evaluated 2025-06-24.

Conditions:
SLC2A1-related disorder. Also called: SLC2A1-related condition; SLC2A1-related disorders.
Encephalopathy due to GLUT1 deficiency. Also called: GLUT1 deficiency syndrome 1, infantile onset, severe; Glucose transporter protein syndrome; GLUCOSE TRANSPORT DEFECT, BLOOD-BRAIN BARRIER; De Vivo disease; GLUT1 deficiency syndrome 1; Classic Glucose Transporter Type 1 Deficiency Syndrome. Identifiers: Orphanet 71277, MedGen C4551966, MONDO:0011724, OMIM 606777.

Submissions (2):

Unidad de Genómica Garrahan, Hospital de Pediatría Garrahan
Classification: Pathogenic for Encephalopathy due to GLUT1 deficiency. Last evaluated: 2025-06-24. Review status: criteria provided, single submitter. Criteria: ACMG Guidelines, 2015. Collection method: clinical testing. Allele origin: unknown. Affected: yes. Observed: 1 variant allele.
Comment: PVS1_Very_Strong, PM2_Moderate, PS4_Moderae

Blueprint Genetics
Classification: Pathogenic for SLC2A1-related disorders. Last evaluated: 2021-09-01. Review status: criteria provided, single submitter. Criteria: ACMG Guidelines, 2015. Collection method: clinical testing. Allele origin: germline. Affected: yes. Observed: 1 variant allele.

Literature cited by the submitters: PubMed 17718830 (cited by Unidad de Genómica Garrahan, Hospital de Pediatría Garrahan); PubMed 20129935 (cited by Unidad de Genómica Garrahan, Hospital de Pediatría Garrahan); PubMed 36965413 (cited by Unidad de Genómica Garrahan, Hospital de Pediatría Garrahan).